The following is an entry in ClinVar:

NM_007294.4(BRCA1):c.1876G>C (p.Val626Leu)

Gene: BRCA1 (BRCA1 DNA repair associated; minus strand). Cytogenetic location: 17q21.31.
Variant type: single nucleotide variant.
Coding change: c.1876G>C on transcript NM_007294.4 (MANE Select); coding-DNA position 1876, G replaced by C.
Protein change: p.Val626Leu; replaces valine 626 with leucine.
Molecular consequence: missense variant. On other transcripts: intron variant (137).
Genome position (GRCh38, 1-based): chr17:43,093,655, C>G on the plus strand (G>C on the coding strand, the complement: BRCA1 is on the minus strand). VCF-style: chr17-43093655-C-G. GRCh37 (hg19) VCF-style: chr17-41245672-C-G.
Other names: c.667+2191G>C (NM_001408431.1, NM_001408424.1, NM_001408421.1); c.784+1089G>C (NM_001408407.1, NM_001408402.1, NM_001408473.1 and 13 more transcripts); c.664+1089G>C (NM_001408443.1, NM_001408439.1, NM_001408425.1 and 12 more transcripts); c.670+2191G>C (NM_001408419.1, NM_001408422.1, NM_001408418.1 and 2 more transcripts); c.787+1089G>C (NM_001408403.1, NM_001407983.1, NM_001407975.1 and 19 more transcripts); c.790+1086G>C (NM_001408406.1); c.646+1089G>C (NM_001408456.1, NM_001408410.1, NM_001408458.1 and 11 more transcripts); c.643+1089G>C (NM_001408465.1, NM_001408463.1, NM_001408462.1 and 3 more transcripts); and 40 more; short protein forms V330L, V458L, V498L, V499L, V514L, V515L, V537L, V538L.
Identifiers: ClinVar variation 3069234 (VCV003069234.1), dbSNP rs2053869047, ClinGen allele CA10598268.

ClinVar aggregate classification (germline): Uncertain significance (1 of 4 stars; one submission).

Conditions:
Breast-ovarian cancer, familial, susceptibility to, 1 (BROVCA1). Also called: BRCA1 Hereditary Breast and Ovarian Cancer; OVARIAN CANCER, SUSCEPTIBILITY TO. Identifiers: Orphanet 145, MedGen C2676676, MONDO:0011450, OMIM 604370. Disease mechanism: loss of function.

Submission:

All of Us Research Program, National Institutes of Health
Classification: Uncertain significance for Breast-ovarian cancer, familial, susceptibility to, 1. Last evaluated: 2023-04-03. Review status: criteria provided, single submitter. Criteria: ACMG Guidelines, 2015. Collection method: clinical testing. Allele origin: germline. Inheritance: Autosomal dominant inheritance. Observed: 1 variant allele, 1 heterozygote.
Comment: This missense variant replaces valine with leucine at codon 626 of the BRCA1 protein. Computational prediction is inconclusive regarding the impact of this variant on protein structure and function (internally defined REVEL score threshold 0.5 < inconclusive < 0.7, PMID: 27666373). To our knowledge, functional studies have not been reported for this variant. This variant has not been reported in individuals affected with hereditary cancer in the literature. This variant has not been identified in the general population by the Genome Aggregation Database (gnomAD). The available evidence is insufficient to determine the role of this variant in disease conclusively. Therefore, this variant is classified as a Variant of Uncertain Significance.

This study involves interpretation of variants in research participants for the purpose of population health screening. Participant phenotype was not available at the time of variant classification. Additional details can be found in publication PMID: 35346344, PMCID: PMC8962531